The following is an entry in ClinVar:

ClinVar aggregate classification (germline): Uncertain significance (1 of 4 stars; one submission).

Conditions:
Hereditary cancer-predisposing syndrome. Also called: Neoplastic Syndromes, Hereditary; Tumor predisposition; Hereditary Cancer Syndrome; Hereditary neoplastic syndrome. Identifiers: Orphanet 140162, MedGen C0027672, MeSH D009386, MONDO:0015356.

Submission:

Ambry Genetics
Classification: Uncertain significance for Hereditary cancer-predisposing syndrome. Last evaluated: 2025-11-26. Review status: criteria provided, single submitter. Criteria: Ambry Variant Classification Scheme 2023. Collection method: clinical testing. Allele origin: germline.
Comment: The p.T195A variant (also known as c.583A>G), located in coding exon 3 of the PHOX2B gene, results from an A to G substitution at nucleotide position 583. The threonine at codon 195 is replaced by alanine, an amino acid with similar properties. This amino acid position is conserved. In addition, this alteration is predicted to be tolerated by in silico analysis. Based on the available evidence, the clinical significance of this variant remains unclear.

NM_003924.4(PHOX2B):c.583A>G (p.Thr195Ala)

Gene: PHOX2B (paired like homeobox 2B; minus strand). Cytogenetic location: 4p13.
Variant type: single nucleotide variant.
Coding change: c.583A>G on transcript NM_003924.4 (MANE Select); coding-DNA position 583, A replaced by G.
Protein change: p.Thr195Ala; replaces threonine 195 with alanine.
Molecular consequence: missense variant.
Genome position (GRCh38, 1-based): chr4:41,746,169, T>C on the plus strand (A>G on the coding strand, the complement: PHOX2B is on the minus strand). VCF-style: chr4-41746169-T-C. GRCh37 (hg19) VCF-style: chr4-41748186-T-C.
Other names: short protein forms T195A.
Identifiers: ClinVar variation 4666124 (VCV004666124.1).